The following is an entry in ClinVar:

NM_015072.5(TTLL5):c.1913G>A (p.Arg638His)

Gene: TTLL5 (tubulin tyrosine ligase like 5; plus strand). Cytogenetic location: 14q24.3.
Variant type: single nucleotide variant.
Coding change: c.1913G>A on transcript NM_015072.5 (MANE Select); coding-DNA position 1913, G replaced by A.
Protein change: p.Arg638His; replaces arginine 638 with histidine.
Molecular consequence: missense variant.
Genome position (GRCh38, 1-based): chr14:75,766,266, G>A. VCF-style: chr14-75766266-G-A. GRCh37 (hg19) VCF-style: chr14-76232609-G-A.
Other names: short protein forms R638H.
Identifiers: ClinVar variation 955800 (VCV000955800.7), dbSNP rs1399888208, ClinGen allele CA390467510.

ClinVar aggregate classification (germline): Uncertain significance (1 of 4 stars; one submission).

Allele frequency attached by ClinVar (database versions not stated): TOPMed 0.00001.

Submission:

Labcorp Genetics (formerly Invitae), Labcorp
Classification: Uncertain significance. Last evaluated: 2021-09-02. Review status: criteria provided, single submitter. Criteria: Invitae Variant Classification Sherloc (09022015). Collection method: clinical testing. Allele origin: germline.
Comment: This sequence change replaces arginine with histidine at codon 638 of the TTLL5 protein (p.Arg638His). The arginine residue is weakly conserved and there is a small physicochemical difference between arginine and histidine. This variant is not present in population databases (ExAC no frequency). This variant has not been reported in the literature in individuals affected with TTLL5-related conditions. Algorithms developed to predict the effect of missense changes on protein structure and function (SIFT, PolyPhen-2, Align-GVGD) all suggest that this variant is likely to be tolerated. In summary, the available evidence is currently insufficient to determine the role of this variant in disease. Therefore, it has been classified as a Variant of Uncertain Significance.